The following is an entry in ClinVar:

NM_005591.4(MRE11):c.1724G>A (p.Gly575Asp)

Gene: MRE11 (MRE11 double strand break repair nuclease; minus strand). Cytogenetic location: 11q21.
Variant type: single nucleotide variant.
Coding change: c.1724G>A on transcript NM_005591.4 (MANE Select); coding-DNA position 1724, G replaced by A.
Protein change: p.Gly575Asp; replaces glycine 575 with aspartic acid.
Molecular consequence: missense variant.
Genome position (GRCh38, 1-based): chr11:94,447,278, C>T on the plus strand (G>A on the coding strand, the complement: MRE11 is on the minus strand). VCF-style: chr11-94447278-C-T. GRCh37 (hg19) VCF-style: chr11-94180444-C-T.
Other names: c.1724G>A, p.Gly575Asp (NM_001330347.2, NM_005590.4); short protein forms G575D.
Identifiers: ClinVar variation 220769 (VCV000220769.13), dbSNP rs376555330, ClinGen allele CA350598.
Genomic context (GRCh38, chr11:94,447,278, plus strand): 5'-CCTCTTCCTCTTTGAGACCCTCCTCTCGATGCTGAATTCTGCCCTCTTCCACCTCTTCGA[C>T]CTCTTCCTCGGCCTCTTCCTTTGTTGGTTGCTGCTGAGATGCTATCATCAGAGTCATTAG-3'
Protein context (NP_005582.1, residues 565-585): ATNKGRGRGR[Gly575Asp]RRGGRGQNSA

ClinVar aggregate classification (germline): Uncertain significance. Review status: criteria provided, multiple submitters, no conflicts (2 of 4 stars). 3 submissions from 3 submitters: Uncertain significance (3). Last evaluated 2026-02-02.

Conditions:
Ataxia-telangiectasia-like disorder (ATLD). Identifiers: MedGen C1858391, MONDO:0011457.
Hereditary cancer-predisposing syndrome. Also called: Hereditary neoplastic syndrome; Tumor predisposition; Hereditary Cancer Syndrome; Neoplastic Syndromes, Hereditary. Identifiers: Orphanet 140162, MedGen C0027672, MeSH D009386, MONDO:0015356.
Ataxia-telangiectasia-like disorder 1 (ATLD1). Identifiers: Orphanet 251347, MedGen C4012790, MONDO:0024557, OMIM 604391.

Allele frequency attached by ClinVar (database versions not stated): TOPMed 0.00006.
gnomAD v4.1: 17 of 1,613,986 alleles (0.0011%); highest among the groups gnomAD compares: East Asian, 0.038%; no homozygotes.

Submissions (3):

Labcorp Genetics (formerly Invitae), Labcorp
Classification: Uncertain significance for Ataxia-telangiectasia-like disorder. Last evaluated: 2026-02-02. Review status: criteria provided, single submitter. Criteria: Invitae Variant Classification Sherloc (09022015). Collection method: clinical testing. Allele origin: germline.
Comment: This sequence change replaces glycine, which is neutral and non-polar, with aspartic acid, which is acidic and polar, at codon 575 of the MRE11 protein (p.Gly575Asp). This variant is present in population databases (rs376555330, gnomAD 0.08%). This missense change has been observed in individual(s) with colon cancer (PMID: 30093976). ClinVar contains an entry for this variant (Variation ID: 220769). An algorithm developed to predict the effect of missense changes on protein structure and function (PolyPhen-2) suggests that this variant is likely to be disruptive. In summary, the available evidence is currently insufficient to determine the role of this variant in disease. Therefore, it has been classified as a Variant of Uncertain Significance.

Ambry Genetics
Classification: Uncertain significance for Hereditary cancer-predisposing syndrome. Last evaluated: 2023-05-04. Review status: criteria provided, single submitter. Criteria: Ambry Variant Classification Scheme 2023. Collection method: clinical testing. Allele origin: germline.
Comment: The p.G575D variant (also known as c.1724G>A), located in coding exon 14 of the MRE11A gene, results from a G to A substitution at nucleotide position 1724. The glycine at codon 575 is replaced by aspartic acid, an amino acid with similar properties. This alteration has been reported in individuals with a personal history of ovarian and colon cancer from a cohort of 1191 cancer index patients who underwent clinical evaluation and testing with multigene panels (Chan GHJ et al. Oncotarget, 2018 Jul;9:30649-30660). This amino acid position is highly conserved in available vertebrate species. In addition, the in silico prediction for this alteration is inconclusive. Since supporting evidence is limited at this time, the clinical significance of this alteration remains unclear.

Baylor Genetics
Classification: Uncertain significance for Ataxia-telangiectasia-like disorder 1. Last evaluated: 2023-04-03. Review status: criteria provided, single submitter. Criteria: ACMG Guidelines, 2015. Collection method: clinical testing. Allele origin: unknown.

Literature cited by the submitters: PubMed 30093976 (cited by Labcorp Genetics (formerly Invitae), Labcorp and Ambry Genetics).